The following is an entry in ClinVar:

ClinVar aggregate classification (germline): Likely pathogenic (1 of 4 stars; one submission).

Conditions:
Autosomal recessive polycystic kidney disease (ARPKD). Also called: AR polycystic kidney disease. Identifiers: Orphanet 731, Orphanet 8378, MedGen C0085548, MeSH D017044, MONDO:0009889.

Submission:

Natera, Inc.
Classification: Likely pathogenic for Autosomal recessive polycystic kidney disease. Last evaluated: 2025-08-08. Review status: criteria provided, single submitter. Criteria: Natera Variant Classification Schema (03/2026). Collection method: clinical testing. Allele origin: germline.
Comment: The c.9451A>T variant in PKHD1 is a nonsense variant predicted to introduce a stop codon at amino acid 3151. This variant is expected to result in nonsense mediated decay, truncation, or a dysfunctional protein product. This variant is rare in the general population with a frequency below the threshold expected for the associated phenotype(s). Given the available evidence, this variant is classified as Likely Pathogenic.

NM_138694.4(PKHD1):c.9451A>T (p.Lys3151Ter)

Gene: PKHD1 (PKHD1 ciliary IPT domain containing fibrocystin/polyductin; minus strand). Cytogenetic location: 6p12.3.
Variant type: single nucleotide variant.
Coding change: c.9451A>T on transcript NM_138694.4 (MANE Select); coding-DNA position 9451, A replaced by T.
Protein change: p.Lys3151Ter; replaces lysine 3151 with a stop codon.
Molecular consequence: nonsense.
Genome position (GRCh38, 1-based): chr6:51,748,165, T>A on the plus strand (A>T on the coding strand, the complement: PKHD1 is on the minus strand). VCF-style: chr6-51748165-T-A. GRCh37 (hg19) VCF-style: chr6-51612963-T-A.
Other names: c.9451A>T, p.Lys3151Ter (NM_170724.3); short protein forms K3151*.
Identifiers: ClinVar variation 4816799 (VCV004816799.1).